The following is an entry in ClinVar:

ClinVar aggregate classification (germline): Likely benign. Review status: criteria provided, multiple submitters, no conflicts (2 of 4 stars). 4 submissions from 4 submitters: Likely benign (4). Last evaluated 2024-10-08.

Conditions:
Aortic aneurysm, familial thoracic 4 (AAT4). Also called: AORTIC ANEURYSM/AORTIC DISSECTION AND PATENT DUCTUS ARTERIOSUS. Identifiers: MedGen C1851504, MONDO:0007568, OMIM 132900.
Familial thoracic aortic aneurysm and aortic dissection (TAAD). Also called: Thoracic aortic aneurysms and dissections. Identifiers: Orphanet 91387, MedGen C4707243, MONDO:0019625.

Allele frequency attached by ClinVar (database versions not stated): gnomAD exomes below 0.00001 and 0.00001; gnomAD 0.00001; ExAC 0.00002.
gnomAD v4.1: 11 of 1,614,044 alleles (0.00068%); highest among the groups gnomAD compares: East Asian, 0.0089%; no homozygotes.

Submissions (4):

Ambry Genetics
Classification: Likely benign for Familial thoracic aortic aneurysm and aortic dissection. Last evaluated: 2024-10-08. Review status: criteria provided, single submitter. Criteria: Ambry Variant Classification Scheme 2023. Collection method: clinical testing. Allele origin: germline.

Labcorp Genetics (formerly Invitae), Labcorp
Classification: Likely benign for Aortic aneurysm, familial thoracic 4. Last evaluated: 2024-08-05. Review status: criteria provided, single submitter. Criteria: Invitae Variant Classification Sherloc (09022015). Collection method: clinical testing. Allele origin: germline.

All of Us Research Program, National Institutes of Health
Classification: Likely benign for Familial thoracic aortic aneurysm and aortic dissection. Last evaluated: 2023-12-18. Review status: criteria provided, single submitter. Criteria: ACMG Guidelines, 2015. Collection method: clinical testing. Allele origin: germline. Inheritance: Autosomal dominant inheritance. Observed: 1 variant allele, 1 heterozygote.
Comment: This study involves interpretation of variants in research participants for the purpose of population health screening. Participant phenotype was not available at the time of variant classification. Additional details can be found in publication PMID: 35346344, PMCID: PMC8962531

Color Diagnostics, LLC DBA Color Health
Classification: Likely benign for Familial thoracic aortic aneurysm and aortic dissection. Last evaluated: 2022-05-10. Review status: criteria provided, single submitter. Criteria: ACMG Guidelines, 2015. Collection method: clinical testing. Allele origin: germline.

NM_002474.3(MYH11):c.1665G>A (p.Thr555=)

Gene: MYH11 (myosin heavy chain 11; minus strand). Cytogenetic location: 16p13.11.
Variant type: single nucleotide variant.
Coding change: c.1665G>A on transcript NM_002474.3 (MANE Select); coding-DNA position 1665, G replaced by A.
Protein change: p.Thr555=; no amino-acid change (threonine 555 retained).
Molecular consequence: synonymous variant.
Genome position (GRCh38, 1-based): chr16:15,756,425, C>T on the plus strand (G>A on the coding strand, the complement: MYH11 is on the minus strand). VCF-style: chr16-15756425-C-T. GRCh37 (hg19) VCF-style: chr16-15850282-C-T.
Other names: c.1665G>A (NM_002474.2); c.1686G>A, p.Thr562= (NM_001040113.2, NM_001040114.2); c.1665G>A, p.Thr555= (NM_022844.3).
Identifiers: ClinVar variation 1102636 (VCV001102636.12), dbSNP rs779863003, ClinGen allele CA7922548.